The following is an entry in ClinVar:

ClinVar aggregate classification (germline): Conflicting classifications of pathogenicity. Review status: criteria provided, conflicting classifications (1 of 4 stars). 6 submissions from 6 submitters: Uncertain significance (4); Likely benign (2). Last evaluated 2025-12-19.

Conditions:
Curry-Hall syndrome (WAD). Also called: WEYERS ACRODENTAL DYSOSTOSIS. Identifiers: Orphanet 952, MedGen C0457013, MONDO:0008673, OMIM 193530.
Ellis-van Creveld syndrome (EVC). Also called: Chondroectodermal dysplasia; MESOECTODERMAL DYSPLASIA. Identifiers: Orphanet 289, MedGen C0013903, MONDO:0009162, OMIM 225500.

Allele frequency attached by ClinVar (database versions not stated): 1000 Genomes Project 30x 0.00016; 1000 Genomes Project 0.00020; gnomAD exomes 0.00022; gnomAD 0.00023 and 0.00024; ExAC 0.00027; TOPMed 0.00029; ESP Exome Variant Server 0.00038.
gnomAD v4.1: 377 of 1,614,112 alleles (0.023%); highest among the groups gnomAD compares: Admixed American, 0.028%; no homozygotes.

Submissions (6):

Labcorp Genetics (formerly Invitae), Labcorp
Classification: Likely benign for Curry-Hall syndrome; Ellis-van Creveld syndrome. Last evaluated: 2025-12-19. Review status: criteria provided, single submitter. Criteria: Invitae Variant Classification Sherloc (09022015). Collection method: clinical testing. Allele origin: germline.

GeneDx
Classification: Uncertain significance. Last evaluated: 2025-07-24. Review status: criteria provided, single submitter. Criteria: GeneDx Variant Classification Process June 2021. Collection method: clinical testing. Allele origin: germline. Affected: yes.
Comment: In silico analysis suggests that this missense variant does not alter protein structure/function; Has not been previously published as pathogenic or benign to our knowledge

Blueprint Genetics
Classification: Likely benign. Last evaluated: 2024-10-30. Review status: criteria provided, single submitter. Criteria: ACMG Guidelines, 2015. Collection method: clinical testing. Allele origin: germline.

Women's Health and Genetics/Laboratory Corporation of America, LabCorp
Classification: Uncertain significance. Last evaluated: 2023-12-12. Review status: criteria provided, single submitter. Criteria: LabCorp Variant Classification Summary - May 2015. Collection method: clinical testing. Allele origin: germline.
Comment: Variant summary: EVC c.2350G>A (p.Ala784Thr) results in a non-conservative amino acid change in the encoded protein sequence. Four of five in-silico tools predict a benign effect of the variant on protein function. The variant allele was found at a frequency of 0.00022 in 251300 control chromosomes (gnomAD). To our knowledge, no occurrence of c.2350G>A in individuals affected with Ellis-van Creveld syndrome and no experimental evidence demonstrating its impact on protein function have been reported. Four submitters have cited clinical-significance assessments for this variant to ClinVar after 2014. All submitters classified the variant as uncertain significance. Based on the evidence outlined above, the variant was classified as uncertain significance.

Illumina Laboratory Services, Illumina
Classification: Uncertain significance for Ellis-van Creveld syndrome. Last evaluated: 2018-01-13. Review status: criteria provided, single submitter. Criteria: ICSL Variant Classification Criteria 13 December 2019. Collection method: clinical testing. Allele origin: germline.

Eurofins Ntd Llc (ga)
Classification: Uncertain significance. Last evaluated: 2015-11-13. Review status: criteria provided, single submitter. Criteria: EGL Classification Definitions 2015. Collection method: clinical testing. Allele origin: germline. Observed: 1 variant allele, 1 heterozygote.

NM_153717.3(EVC):c.2350G>A (p.Ala784Thr)

Gene: EVC (EvC ciliary complex subunit 1; plus strand). Cytogenetic location: 4p16.2.
Variant type: single nucleotide variant.
Coding change: c.2350G>A on transcript NM_153717.3 (MANE Select); coding-DNA position 2350, G replaced by A.
Protein change: p.Ala784Thr; replaces alanine 784 with threonine.
Molecular consequence: missense variant.
Genome position (GRCh38, 1-based): chr4:5,801,995, G>A. VCF-style: chr4-5801995-G-A. GRCh37 (hg19) VCF-style: chr4-5803722-G-A.
Other names: c.2350G>A, p.Ala784Thr (NM_001306090.2); short protein forms A784T.
Identifiers: ClinVar variation 284429 (VCV000284429.18), dbSNP rs149537641, ClinGen allele CA2836474.
Genomic context (GRCh38, chr4:5,801,995, plus strand): 5'-CCTTTCTTCCCTCAGAGGACACTGATGGAGGCGGCAGTGGAGAGCGTCTACGTGACCAGC[G>A]CTGGTGTCAGCCGCCTGGTGCAGGCGTATTACCAGCAAATCGGAAGGATCATGGAGGACC-3'
Protein context (NP_714928.1, residues 774-794): AAVESVYVTS[Ala784Thr]GVSRLVQAYY